The following is an entry in ClinVar:

NM_182961.4(SYNE1):c.18268T>C (p.Cys6090Arg)

Gene: SYNE1 (spectrin repeat containing nuclear envelope protein 1; minus strand). Cytogenetic location: 6q25.2.
Variant type: single nucleotide variant.
Coding change: c.18268T>C on transcript NM_182961.4 (MANE Select); coding-DNA position 18268, T replaced by C.
Protein change: p.Cys6090Arg; replaces cysteine 6090 with arginine.
Molecular consequence: missense variant.
Genome position (GRCh38, 1-based): chr6:152,281,920, A>G on the plus strand (T>C on the coding strand, the complement: SYNE1 is on the minus strand). VCF-style: chr6-152281920-A-G. GRCh37 (hg19) VCF-style: chr6-152603055-A-G.
Other names: c.18055T>C, p.Cys6019Arg (NM_033071.5); short protein forms C6019R, C6090R.
Identifiers: ClinVar variation 2657010 (VCV002657010.25), dbSNP rs1237654257, ClinGen allele CA366095621.
Genomic context (GRCh38, chr6:152,281,920, plus strand): 5'-GCGCAGTGTCCAGAGTGGCCTTGGTACTCAAGAGCCAGCTGTCCAGCTCATCGGCTTCAC[A>G]GCGATACCTCTGCAGGGCCTGTTCCTGCCTTTGTTCCTCCAGCTGATCATTCAACTTCTC-3'
Protein context (NP_892006.3, residues 6080-6100): RQEQALQRYR[Cys6090Arg]EADELDSWLL

ClinVar aggregate classification (germline): Uncertain significance. Review status: criteria provided, multiple submitters, no conflicts (2 of 4 stars). 2 submissions from 2 submitters: Uncertain significance (2). Last evaluated 2023-06-01.

Conditions:
Emery-Dreifuss muscular dystrophy 4, autosomal dominant (EDMD4). Also called: EMERY-DREIFUSS MUSCULAR DYSTROPHY 4 WITH VARIABLE FEATURES. Identifiers: Orphanet 261, MedGen C2751807, MONDO:0013071, OMIM 612998.
Arthrogryposis multiplex congenita 3, myogenic type. Also called: ARTHROGRYPOSIS MULTIPLEX CONGENITA, MYOGENIC TYPE. Identifiers: MedGen C5193121, MONDO:0032778, OMIM 618484.
Autosomal recessive ataxia, Beauce type. Also called: Spinocerebellar ataxia, autosomal recessive 8; ATAXIA, RECESSIVE, OF BEAUCE; SYNE1-Related Autosomal Recessive Cerebellar Ataxia; SYNE1 Deficiency. Identifiers: Orphanet 88644, MedGen C1853116, MONDO:0012549, OMIM 610743.

Allele frequency attached by ClinVar (database versions not stated): gnomAD exomes below 0.00001.
gnomAD v4.1: 6 of 1,614,178 alleles (0.00037%); highest among the groups gnomAD compares: South Asian, 0.0033%; no homozygotes.

Submissions (2):

CeGaT Center for Human Genetics Tuebingen
Classification: Uncertain significance. Last evaluated: 2023-06-01. Review status: criteria provided, single submitter. Criteria: CeGaT Center For Human Genetics Tuebingen Variant Classification Criteria Version 2. Collection method: clinical testing. Allele origin: germline. Affected: yes. Observed: 1 variant allele.
Comment: SYNE1: PM2

Department of Pathology and Laboratory Medicine, Sinai Health System
Classification: Uncertain significance for Autosomal recessive ataxia, Beauce type; Emery-Dreifuss muscular dystrophy 4, autosomal dominant; Arthrogryposis multiplex congenita 3, myogenic type. Last evaluated: 2022-07-20. Review status: criteria provided, single submitter. Criteria: ACMG Guidelines, 2015. Collection method: research. Allele origin: germline.